The following is an entry in ClinVar:

ClinVar aggregate classification (germline): Likely pathogenic (1 of 4 stars; one submission).

Submission:

GeneDx
Classification: Likely pathogenic. Last evaluated: 2014-12-23. Review status: criteria provided, single submitter. Criteria: GeneDx Variant Classification (06012015). Collection method: clinical testing. Allele origin: germline. Affected: yes.
Comment: p.Cys318Phe (TGC>TTC): c.953 G>T in exon 6 of the TGFB2 gene (NM_003238.3). A C318F variant that is likely pathogenic was identified in the TGFB2 gene. It has not been published as a mutation or as a benign polymorphism to our knowledge. The C318F variant was not observed in approximately 6,500 individuals of European and African American ancestry in the NHLBI Exome Sequencing Project, indicating it is not a common benign variant in these populations. The C318F variant is a non-conservative amino acid substitution, which is likely to impact secondary protein structure as these residues differ in polarity, charge, size and/or other properties. This substitution occurs at a position that is completely conserved across species. In silico analysis predicts this variant is probably damaging to the protein structure/function. Missense mutations in nearby residues (R320C) have been reported in association with familial TAAD supporting the functional importance of this region of the protein. Therefore, this variant is a strong candidate for a pathogenic mutation, however the possibility that it is a benign variant cannot be excluded. This variant was found in TAADV2-1.

NM_003238.6(TGFB2):c.953G>T (p.Cys318Phe)

Gene: TGFB2 (transforming growth factor beta 2; plus strand). Cytogenetic location: 1q41.
Variant type: single nucleotide variant.
Coding change: c.953G>T on transcript NM_003238.6 (MANE Select); coding-DNA position 953, G replaced by T.
Protein change: p.Cys318Phe; replaces cysteine 318 with phenylalanine.
Molecular consequence: missense variant. On other transcripts: non-coding transcript variant (2).
Genome position (GRCh38, 1-based): chr1:218,437,363, G>T. VCF-style: chr1-218437363-G-T. GRCh37 (hg19) VCF-style: chr1-218610705-G-T.
Other names: p.C318F:TGC>TTC; c.1037G>T, p.Cys346Phe (NM_001135599.4); short protein forms C318F, C346F.
Identifiers: ClinVar variation 213846 (VCV000213846.2), dbSNP rs863223793, ClinGen allele CA322411.